The following is an entry in ClinVar:

ClinVar aggregate classification (germline): Uncertain significance (1 of 4 stars; one submission).

Conditions:
Hereditary cancer-predisposing syndrome. Also called: Neoplastic Syndromes, Hereditary; Tumor predisposition; Hereditary neoplastic syndrome; Hereditary Cancer Syndrome. Identifiers: Orphanet 140162, MedGen C0027672, MeSH D009386, MONDO:0015356.

Submission:

Ambry Genetics
Classification: Uncertain significance for Hereditary cancer-predisposing syndrome. Last evaluated: 2023-12-14. Review status: criteria provided, single submitter. Criteria: Ambry Variant Classification Scheme 2023. Collection method: clinical testing. Allele origin: germline.
Comment: The p.T533N variant (also known as c.1598C>A), located in coding exon 9 of the BRCA2 gene, results from a C to A substitution at nucleotide position 1598. The threonine at codon 533 is replaced by asparagine, an amino acid with similar properties. This amino acid position is conserved. In addition, this alteration is predicted to be tolerated by in silico analysis. Since supporting evidence is limited at this time, the clinical significance of this alteration remains unclear.

NM_000059.4(BRCA2):c.1598C>A (p.Thr533Asn)

Gene: BRCA2 (BRCA2 DNA repair associated; plus strand). Cytogenetic location: 13q13.1.
Variant type: single nucleotide variant.
Coding change: c.1598C>A on transcript NM_000059.4 (MANE Select); coding-DNA position 1598, C replaced by A.
Protein change: p.Thr533Asn; replaces threonine 533 with asparagine.
Molecular consequence: missense variant. On other transcripts: non-coding transcript variant (1), intron variant (1).
Genome position (GRCh38, 1-based): chr13:32,333,076, C>A. VCF-style: chr13-32333076-C-A. GRCh37 (hg19) VCF-style: chr13-32907213-C-A.
Other names: c.1598C>A, p.Thr533Asn (NM_001406719.1, NM_001406720.1, NM_001406721.1); c.424+2046C>A (NM_001406722.1); short protein forms T533N.
Identifiers: ClinVar variation 3225444 (VCV003225444.1), dbSNP rs781763239, ClinGen allele CA387764825.
Genomic context (GRCh38, chr13:32,333,076, plus strand): 5'-AAGAGACTTTCAATGCAAGTTTTTCAGGTCATATGACTGATCCAAACTTTAAAAAAGAAA[C>A]TGAAGCCTCTGAAAGTGGACTGGAAATACATACTGTTTGCTCACAGAAGGAGGACTCCTT-3'
Protein context (NP_000050.3, residues 523-543): HMTDPNFKKE[Thr533Asn]EASESGLEIH